The following is an entry in ClinVar:

ClinVar aggregate classification (germline): Likely pathogenic (1 of 4 stars; one submission).

Conditions:
Acrocallosal syndrome (ACLS). Also called: HALLUX DUPLICATION, POSTAXIAL POLYDACTYLY, AND ABSENCE OF CORPUS CALLOSUM; Schinzel syndrome 1; Absence of corpus callosum with unusual facial appearance, mental deficiency, duplication of the halluces and polydactyly. Identifiers: Orphanet 36, MedGen C0796147, MONDO:0008708, OMIM 200990.

Submission:

Department of Pediatrics, GMC Srinagar, Government Medical College Srinagar
Classification: Likely pathogenic for Acrocallosal syndrome. Last evaluated: 2026-10-05. Review status: criteria provided, single submitter. Criteria: ACMG Guidelines, 2015. Collection method: clinical testing. Allele origin: germline. Inheritance: Autosomal recessive inheritance. Affected: yes. Observed: 1 variant allele, 1 homozygote.
Comment: This variant (hg38 - chr15:89652838 C>CAGCA) is classified as likely pathogenic as it a frameshift indel variant (LOF is mechanism of disease, NMD is predicted) and is absent in population databases (e.g., gnomAD v.4.1.2, etc.).

NM_198525.3(KIF7):c.89_92dup (p.His32fs)

Gene: KIF7 (kinesin family member 7; minus strand). Cytogenetic location: 15q26.1.
Variant type: Duplication.
Coding change: c.89_92dup on transcript NM_198525.3 (MANE Select); coding-DNA positions 89 to 92, 4 bases duplicated (TGCT; older notation c.89_92dupTGCT).
Protein change: p.His32fs; shifts the reading frame from histidine 32.
Molecular consequence: frameshift variant.
Genome position (GRCh38, 1-based): chr15:89,652,839-89,652,842, AGCA duplicated on the plus strand (TGCT on the coding strand, the reverse complement: KIF7 is on the minus strand). VCF-style (leftmost placement, unchanged base first): chr15-89652838-C-CAGCA. GRCh37 (hg19) VCF-style: chr15-90196069-C-CAGCA.
Other names: short protein forms H32fs.
Identifiers: ClinVar variation 5010319 (VCV005010319.1).